The following is an entry in ClinVar:

NM_001098511.3(KIF2A):c.159+6A>G

Gene: KIF2A (kinesin family member 2A; plus strand). Cytogenetic location: 5q12.1.
Variant type: single nucleotide variant.
Coding change: c.159+6A>G on transcript NM_001098511.3 (MANE Select); 6 bases into the intron after coding-DNA position 159, A replaced by G.
Molecular consequence: intron variant.
Genome position (GRCh38, 1-based): chr5:62,347,230, A>G. VCF-style: chr5-62347230-A-G. GRCh37 (hg19) VCF-style: chr5-61643057-A-G.
Other names: c.78+6A>G (NM_001243952.2); c.159+6A>G (NM_004520.5, NM_001243953.2).
Identifiers: ClinVar variation 1446355 (VCV001446355.6), dbSNP rs1371071130, ClinGen allele CA560038426.
Genomic context (GRCh38, chr5:62,347,230, plus strand): 5'-TAATGAAAGTGTAACTGTTGAATGGATAGAAAATGGAGATACAAAAGGCAAAGAGGTAAG[A>G]TCACTGAGTTTAATTTTATTCCTAGTCCTGCAATCAAGATTCTGAATATAAAACAAAACA-3'

ClinVar aggregate classification (germline): Uncertain significance (1 of 4 stars; one submission).

Allele frequency attached by ClinVar (database versions not stated): gnomAD exomes below 0.00001 and 0.00001; gnomAD 0.00001; TOPMed 0.00002.
gnomAD v4.1: 8 of 1,458,978 alleles (0.00055%); highest among the groups gnomAD compares: African/African-American, 0.011%; no homozygotes.

Submission:

Labcorp Genetics (formerly Invitae), Labcorp
Classification: Uncertain significance. Last evaluated: 2023-07-10. Review status: criteria provided, single submitter. Criteria: Invitae Variant Classification Sherloc (09022015). Collection method: clinical testing. Allele origin: germline.
Comment: This sequence change falls in intron 2 of the KIF2A gene. It does not directly change the encoded amino acid sequence of the KIF2A protein. It affects a nucleotide within the consensus splice site. This variant is present in population databases (no rsID available, gnomAD 0.02%). This variant has not been reported in the literature in individuals affected with KIF2A-related conditions. ClinVar contains an entry for this variant (Variation ID: 1446355). Variants that disrupt the consensus splice site are a relatively common cause of aberrant splicing (PMID: 17576681, 9536098). Algorithms developed to predict the effect of sequence changes on RNA splicing suggest that this variant is not likely to affect RNA splicing. In summary, the available evidence is currently insufficient to determine the role of this variant in disease. Therefore, it has been classified as a Variant of Uncertain Significance.

Literature cited by the submitters: PubMed 17576681; PubMed 9536098.